The following is an entry in ClinVar:

ClinVar aggregate classification (germline): Conflicting classifications of pathogenicity. Review status: criteria provided, conflicting classifications (1 of 4 stars). 3 submissions from 3 submitters: Uncertain significance (2); Likely benign (1). Last evaluated 2025-07-22.

Conditions:
Cardiovascular phenotype. Identifiers: MedGen CN230736.
Progressive familial heart block type IB (PFHB1B). Identifiers: Orphanet 871, MedGen C1970298, MONDO:0011474, OMIM 604559.

Allele frequency attached by ClinVar (database versions not stated): gnomAD exomes 0.00001 and 0.00002; TOPMed below 0.00001; ExAC 0.00002.
gnomAD v4.1: 22 of 1,614,000 alleles (0.0014%); highest among the groups gnomAD compares: Non-Finnish European, 0.0017%; no homozygotes.

Submissions (3):

Ambry Genetics
Classification: Likely benign for Cardiovascular phenotype. Last evaluated: 2025-07-22. Review status: criteria provided, single submitter. Criteria: Ambry Variant Classification Scheme 2023. Collection method: clinical testing. Allele origin: germline.

Labcorp Genetics (formerly Invitae), Labcorp
Classification: Uncertain significance for Progressive familial heart block type IB. Last evaluated: 2025-07-22. Review status: criteria provided, single submitter. Criteria: Invitae Variant Classification Sherloc (09022015). Collection method: clinical testing. Allele origin: germline.
Comment: This sequence change replaces asparagine, which is neutral and polar, with serine, which is neutral and polar, at codon 475 of the TRPM4 protein (p.Asn475Ser). This variant is present in population databases (rs768896988, gnomAD 0.002%). This variant has not been reported in the literature in individuals affected with TRPM4-related conditions. ClinVar contains an entry for this variant (Variation ID: 1700350). An algorithm developed to predict the effect of missense changes on protein structure and function outputs the following: PolyPhen-2: "Benign". The serine amino acid residue is found in multiple mammalian species, which suggests that this missense change does not adversely affect protein function. In summary, the available evidence is currently insufficient to determine the role of this variant in disease. Therefore, it has been classified as a Variant of Uncertain Significance.

GeneDx
Classification: Uncertain significance. Last evaluated: 2022-02-06. Review status: criteria provided, single submitter. Criteria: GeneDx Variant Classification Process June 2021. Collection method: clinical testing. Allele origin: germline. Affected: yes.
Comment: Not observed at significant frequency in large population cohorts (gnomAD); In silico analysis supports that this missense variant does not alter protein structure/function; Has not been previously published as pathogenic or benign to our knowledge

NM_017636.4(TRPM4):c.1424A>G (p.Asn475Ser)

Gene: TRPM4 (transient receptor potential cation channel subfamily M member 4; plus strand). Cytogenetic location: 19q13.33.
Variant type: single nucleotide variant.
Coding change: c.1424A>G on transcript NM_017636.4 (MANE Select); coding-DNA position 1424, A replaced by G.
Protein change: p.Asn475Ser; replaces asparagine 475 with serine.
Molecular consequence: missense variant. On other transcripts: 5 prime UTR variant (1).
Genome position (GRCh38, 1-based): chr19:49,182,738, A>G. VCF-style: chr19-49182738-A-G. GRCh37 (hg19) VCF-style: chr19-49685995-A-G.
Other names: c.1424A>G, p.Asn475Ser (NM_001195227.2); c.1079A>G, p.Asn360Ser (NM_001321281.2); c.-130A>G (NM_001321282.2); c.902A>G, p.Asn301Ser (NM_001321283.2); c.362A>G, p.Asn121Ser (NM_001321285.2); short protein forms N121S, N301S, N360S, N475S.
Identifiers: ClinVar variation 1700350 (VCV001700350.6), dbSNP rs768896988, ClinGen allele CA9569193.